The following is an entry in ClinVar:

Single allele

Gene: DMD (dystrophin; minus strand). Cytogenetic location: Xp21.1.
Variant type: Duplication.
Identifiers: ClinVar variation 560062 (VCV000560062.3).

ClinVar aggregate classification (germline): Pathogenic (1 of 4 stars; one submission).

Conditions:
Dilated cardiomyopathy 3B (CMD3B). Also called: CMD3B: DMD-Related Dilated Cardiomyopathy; CARDIOMYOPATHY, DILATED, X-LINKED; DMD-Associated Dilated Cardiomyopathy. Identifiers: Orphanet 154, MedGen C3668940, MONDO:0010542, OMIM 302045.
Becker muscular dystrophy (BMD). Also called: Becker Muscular Dystrophy (BMD); MUSCULAR DYSTROPHY, PSEUDOHYPERTROPHIC PROGRESSIVE, BECKER TYPE. Identifiers: Orphanet 98895, MedGen C0917713, MONDO:0010311, OMIM 300376.
Duchenne muscular dystrophy (DMD). Also called: Duchenne Muscular Dystrophy (DMD); MUSCULAR DYSTROPHY, PSEUDOHYPERTROPHIC PROGRESSIVE, DUCHENNE TYPE. Identifiers: Orphanet 98896, MedGen C0013264, MONDO:0010679, OMIM 310200.

Submission:

Geisinger Autism and Developmental Medicine Institute, Geisinger Health System
Classification: Pathogenic for Becker muscular dystrophy; Dilated cardiomyopathy 3B; Duchenne muscular dystrophy. Last evaluated: 2017-02-06. Review status: criteria provided, single submitter. Criteria: ACMG CNV Guidelines, 2011. Collection method: provider interpretation. Allele origin: maternal.

Literature cited by the submitters: PubMed 16770791; PubMed 8504498; PubMed 1047858.